The following is an entry in ClinVar:

ClinVar aggregate classification (germline): Uncertain significance (1 of 4 stars; one submission).

Conditions:
Deficiency of UDPglucose-hexose-1-phosphate uridylyltransferase. Also called: GALACTOSEMIA I; GALT deficiency; Galactosemia, classic; GALACTOSE-1-PHOSPHATE URIDYLYLTRANSFERASE DEFICIENCY; Transferase Deficiency Galactosemia. Identifiers: Orphanet 352, Orphanet 79239, MedGen C0268151, MONDO:0009258, OMIM 230400.

Allele frequency attached by ClinVar (database versions not stated): gnomAD exomes below 0.00001.

Submission:

Labcorp Genetics (formerly Invitae), Labcorp
Classification: Uncertain significance for Deficiency of UDPglucose-hexose-1-phosphate uridylyltransferase. Last evaluated: 2021-08-24. Review status: criteria provided, single submitter. Criteria: Invitae Variant Classification Sherloc (09022015). Collection method: clinical testing. Allele origin: germline.
Comment: This sequence change replaces asparagine with serine at codon 288 of the GALT protein (p.Asn288Ser). The asparagine residue is highly conserved and there is a small physicochemical difference between asparagine and serine. This variant is not present in population databases (ExAC no frequency). This variant has not been reported in the literature in individuals affected with GALT-related conditions. Advanced modeling of protein sequence and biophysical properties (such as structural, functional, and spatial information, amino acid conservation, physicochemical variation, residue mobility, and thermodynamic stability) performed at Invitae indicates that this missense variant is expected to disrupt GALT protein function. In summary, the available evidence is currently insufficient to determine the role of this variant in disease. Therefore, it has been classified as a Variant of Uncertain Significance.

NM_000155.4(GALT):c.863A>G (p.Asn288Ser)

Gene: GALT (galactose-1-phosphate uridylyltransferase; plus strand). Cytogenetic location: 9p13.3.
Variant type: single nucleotide variant.
Coding change: c.863A>G on transcript NM_000155.4 (MANE Select); coding-DNA position 863, A replaced by G.
Protein change: p.Asn288Ser; replaces asparagine 288 with serine.
Molecular consequence: missense variant.
Genome position (GRCh38, 1-based): chr9:34,649,040, A>G. VCF-style: chr9-34649040-A-G. GRCh37 (hg19) VCF-style: chr9-34649037-A-G.
Other names: c.536A>G, p.Asn179Ser (NM_001258332.2); short protein forms N179S, N288S.
Identifiers: ClinVar variation 1005242 (VCV001005242.6), dbSNP rs1821184031, ClinGen allele CA373284350.